The following is an entry in ClinVar:

ClinVar aggregate classification (germline): Uncertain significance. Review status: criteria provided, multiple submitters, no conflicts (2 of 4 stars). 2 submissions from 2 submitters: Uncertain significance (2). Last evaluated 2024-01-03.

Conditions:
Inborn genetic diseases. Identifiers: MedGen C0950123, MeSH D030342.

Allele frequency attached by ClinVar (database versions not stated): TOPMed 0.00005; ESP Exome Variant Server 0.00015; gnomAD exomes 0.00001 and 0.00002; ExAC 0.00002; gnomAD 0.00002 and 0.00003.

Submissions (2):

Ambry Genetics
Classification: Uncertain significance for Inborn genetic diseases. Last evaluated: 2024-01-03. Review status: criteria provided, single submitter. Criteria: Ambry Variant Classification Scheme 2023. Collection method: clinical testing. Allele origin: germline.
Comment: The c.694+5G>C intronic alteration consists of a G to C substitution nucleotides after coding exon 5 in the SCN3A gene. Based on insufficient or conflicting evidence, the clinical significance of this alteration remains unclear.

Labcorp Genetics (formerly Invitae), Labcorp
Classification: Uncertain significance. Last evaluated: 2023-02-27. Review status: criteria provided, single submitter. Criteria: Invitae Variant Classification Sherloc (09022015). Collection method: clinical testing. Allele origin: germline.
Comment: This variant has not been reported in the literature in individuals affected with SCN3A-related conditions. In summary, the available evidence is currently insufficient to determine the role of this variant in disease. Therefore, it has been classified as a Variant of Uncertain Significance. Variants that disrupt the consensus splice site are a relatively common cause of aberrant splicing (PMID: 17576681, 9536098). Algorithms developed to predict the effect of sequence changes on RNA splicing suggest that this variant may disrupt the consensus splice site. ClinVar contains an entry for this variant (Variation ID: 1055385). This variant is present in population databases (rs368721478, gnomAD 0.03%). This sequence change falls in intron 7 of the SCN3A gene. It does not directly change the encoded amino acid sequence of the SCN3A protein. It affects a nucleotide within the consensus splice site.

Literature cited by the submitters: PubMed 17576681 (cited by Labcorp Genetics (formerly Invitae), Labcorp); PubMed 9536098 (cited by Labcorp Genetics (formerly Invitae), Labcorp).

NM_006922.4(SCN3A):c.694+5G>C

Gene: SCN3A (sodium voltage-gated channel alpha subunit 3; minus strand). Cytogenetic location: 2q24.3.
Variant type: single nucleotide variant.
Coding change: c.694+5G>C on transcript NM_006922.4 (MANE Select); 5 bases into the intron after coding-DNA position 694, G replaced by C.
Molecular consequence: intron variant.
Genome position (GRCh38, 1-based): chr2:165,163,613, C>G on the plus strand (G>C on the coding strand, the complement: SCN3A is on the minus strand). VCF-style: chr2-165163613-C-G. GRCh37 (hg19) VCF-style: chr2-166020123-C-G.
Other names: c.694+5G>C (NM_006922.3, NM_001081676.2); c.694+189G>C (NM_001081677.2).
Identifiers: ClinVar variation 1055385 (VCV001055385.8), dbSNP rs368721478, ClinGen allele CA1939357.
Genomic context (GRCh38, chr2:165,163,613, plus strand): 5'-AGTCATATAAATTGATTTCAAACTCAATAATTAAAGTCAACCTCGGTGTTTAACCTAGCT[C>G]TCACCTGGAATGACTGAAATTGTTTTCAGTGCTCGGAGAACTCTGAATGTTCTCAACGCT-3'